The following is an entry in ClinVar:

ClinVar aggregate classification (germline): Pathogenic (1 of 4 stars; one submission).

Submission:

Labcorp Genetics (formerly Invitae), Labcorp
Classification: Pathogenic. Last evaluated: 2023-12-13. Review status: criteria provided, single submitter. Criteria: Invitae Variant Classification Sherloc (09022015). Collection method: clinical testing. Allele origin: germline.
Comment: This sequence change creates a premature translational stop signal (p.Gly811*) in the COL4A5 gene. It is expected to result in an absent or disrupted protein product. Loss-of-function variants in COL4A5 are known to be pathogenic (PMID: 9195222, 10752524, 14514738, 24854265, 26809805). This variant is not present in population databases (gnomAD no frequency). This premature translational stop signal has been observed in individual(s) with Aport syndrome (PMID: 29270492). For these reasons, this variant has been classified as Pathogenic.

Literature cited by the submitters: PubMed 9195222; PubMed 10752524; PubMed 14514738; PubMed 24854265; PubMed 26809805; PubMed 29270492.

NM_033380.3(COL4A5):c.2431G>T (p.Gly811Ter)

Gene: COL4A5 (collagen type IV alpha 5 chain; plus strand). Cytogenetic location: Xq22.3.
Variant type: single nucleotide variant.
Coding change: c.2431G>T on transcript NM_033380.3 (MANE Select); coding-DNA position 2431, G replaced by T.
Protein change: p.Gly811Ter; replaces glycine 811 with a stop codon.
Molecular consequence: nonsense.
Genome position (GRCh38, 1-based): chrX:108,614,946, G>T. VCF-style: chrX-108614946-G-T. GRCh37 (hg19) VCF-style: chrX-107858176-G-T.
Other names: c.2431G>T, p.Gly811Ter (NM_000495.5); short protein forms G811*.
Identifiers: ClinVar variation 2884117 (VCV002884117.3), dbSNP rs104886182, ClinGen allele CA413849875.